The following is an entry in ClinVar:

ClinVar aggregate classification (germline): Uncertain significance (0 of 4 stars; one submission).

Conditions:
TRAF7-related disorder. Also called: TRAF7-related condition.

Submission:

PreventionGenetics, part of Exact Sciences
Classification: Uncertain significance for TRAF7-related condition. Last evaluated: 2024-05-08. Review status: no assertion criteria provided. Collection method: clinical testing. Allele origin: germline.
Comment: The TRAF7 c.1013A>T variant is predicted to result in the amino acid substitution p.Asp338Val. To our knowledge, this variant has not been reported in the literature or in a large population database, indicating this variant is rare. At this time, the clinical significance of this variant is uncertain due to the absence of conclusive functional and genetic evidence.

NM_032271.3(TRAF7):c.1013A>T (p.Asp338Val)

Gene: TRAF7 (TNF receptor associated factor 7; plus strand). Cytogenetic location: 16p13.3.
Variant type: single nucleotide variant.
Coding change: c.1013A>T on transcript NM_032271.3 (MANE Select); coding-DNA position 1013, A replaced by T.
Protein change: p.Asp338Val; replaces aspartic acid 338 with valine.
Molecular consequence: missense variant.
Genome position (GRCh38, 1-based): chr16:2,173,481, A>T. VCF-style: chr16-2173481-A-T. GRCh37 (hg19) VCF-style: chr16-2223482-A-T.
Other names: short protein forms D338V.
Identifiers: ClinVar variation 3346900 (VCV003346900.1).